The following is an entry in ClinVar:

ClinVar aggregate classification (germline): Uncertain significance. Review status: criteria provided, multiple submitters, no conflicts (2 of 4 stars). 3 submissions from 3 submitters: Uncertain significance (3). Last evaluated 2026-09-01.

Conditions:
Cardiovascular phenotype. Identifiers: MedGen CN230736.
Hereditary cancer-predisposing syndrome. Also called: Hereditary Cancer Syndrome; Tumor predisposition; Neoplastic Syndromes, Hereditary; Hereditary neoplastic syndrome. Identifiers: Orphanet 140162, MedGen C0027672, MeSH D009386, MONDO:0015356.
Neurofibromatosis, type 1 (NF1). Also called: NEUROFIBROMATOSIS, TYPE I, SOMATIC; Peripheral type neurofibromatosis; VON RECKLINGHAUSEN DISEASE; Neurofibromatosis, type I. Identifiers: Orphanet 636, MedGen C0027831, MONDO:0018975, OMIM 162200. Disease mechanism: loss of function.

Submissions (3):

Ambry Genetics
Classification: Uncertain significance for Cardiovascular phenotype; Hereditary cancer-predisposing syndrome. Last evaluated: 2026-09-01. Review status: criteria provided, single submitter. Criteria: Ambry Variant Classification Scheme 2023. Collection method: clinical testing. Allele origin: germline.
Comment: The p.R2465S variant (also known as c.7395G>T), located in coding exon 50 of the NF1 gene, results from a G to T substitution at nucleotide position 7395. This variant impacts the first base pair of coding exon 50. The arginine at codon 2465 is replaced by serine, an amino acid with dissimilar properties. This amino acid position is highly conserved in available vertebrate species. In addition, the in silico prediction for this alteration is inconclusive. Since supporting evidence is limited at this time, the clinical significance of this alteration remains unclear.

Quest Diagnostics Nichols Institute San Juan Capistrano
Classification: Uncertain significance. Last evaluated: 2021-07-23. Review status: criteria provided, single submitter. Criteria: Quest Diagnostics criteria. Collection method: clinical testing. Allele origin: unknown.

Labcorp Genetics (formerly Invitae), Labcorp
Classification: Uncertain significance for Neurofibromatosis, type 1. Last evaluated: 2021-04-16. Review status: criteria provided, single submitter. Criteria: Invitae Variant Classification Sherloc (09022015). Collection method: clinical testing. Allele origin: germline.
Comment: In summary, the available evidence is currently insufficient to determine the role of this variant in disease. Therefore, it has been classified as a Variant of Uncertain Significance. Algorithms developed to predict the effect of sequence changes on RNA splicing suggest that this variant may disrupt the consensus splice site, but this prediction has not been confirmed by published transcriptional studies. Algorithms developed to predict the effect of missense changes on protein structure and function (SIFT, PolyPhen-2, Align-GVGD) all suggest that this variant is likely to be tolerated, but these predictions have not been confirmed by published functional studies and their clinical significance is uncertain. This variant has not been reported in the literature in individuals with NF1-related conditions. This variant is not present in population databases (ExAC no frequency). This sequence change replaces arginine with serine at codon 2465 of the NF1 protein (p.Arg2465Ser). The arginine residue is moderately conserved and there is a moderate physicochemical difference between arginine and serine.

NM_001042492.3(NF1):c.7458G>T (p.Arg2486Ser)

Gene: NF1 (neurofibromin 1; plus strand). Cytogenetic location: 17q11.2.
Variant type: single nucleotide variant.
Coding change: c.7458G>T on transcript NM_001042492.3 (MANE Select); coding-DNA position 7458, G replaced by T.
Protein change: p.Arg2486Ser; replaces arginine 2486 with serine.
Molecular consequence: missense variant.
Genome position (GRCh38, 1-based): chr17:31,352,257, G>T. VCF-style: chr17-31352257-G-T. GRCh37 (hg19) VCF-style: chr17-29679275-G-T.
Other names: c.7395G>T, p.Arg2465Ser (NM_000267.4); short protein forms R2465S, R2486S.
Identifiers: ClinVar variation 1467700 (VCV001467700.12), dbSNP rs2070166426, ClinGen allele CA399017390.
Genomic context (GRCh38, chr17:31,352,257, plus strand): 5'-AACGATGGTTGTATTTGTCACCATATTAATTGATTTTTCTCTATTGTTTTCATCTTTCAG[G>T]ACACTAAAGGAGACTCAGCCATGGTCCTCTCCCAAAGGTTCTGAAGGATACCTTGCAGCC-3'
Protein context (NP_001035957.1, residues 2476-2496): YPIHHGDPSY[Arg2486Ser]TLKETQPWSS